The following is an entry in ClinVar:

NM_000051.4(ATM):c.6975+5_6975+6del

Genes: ATM (ATM serine/threonine kinase; plus strand), C11orf65 (chromosome 11 open reading frame 65; minus strand). Cytogenetic location: 11q22.3.
Variant type: Deletion.
Coding change: c.6975+5_6975+6del on transcript NM_000051.4 (MANE Select); bases 5 to 6 of the intron after coding-DNA position 6975, 2 bases deleted (GT; older notation c.6975+5_6975+6delGT).
Molecular consequence: intron variant.
Genome position (GRCh38, 1-based): chr11:108,326,230-108,326,231, GT deleted; deleting any 2 consecutive bases within chr11:108,326,229-108,326,231 gives the same sequence; the c. name uses the placement nearest the transcript's 3' end. VCF-style (leftmost placement, unchanged base first): chr11-108326228-TTG-T. GRCh37 (hg19) VCF-style: chr11-108196955-TTG-T.
Other names: c.6975+5_6975+6delGT (NM_000051.3); c.6975+5_6975+6del (NM_001351834.2); c.641-17159_641-17158del (NM_001330368.2); c.*38+8990_*38+8991del (NM_001351110.2).
Identifiers: ClinVar variation 419766 (VCV000419766.11), dbSNP rs1064794094, ClinGen allele CA16619224.
Genomic context (GRCh38, chr11:108,326,228, plus strand): 5'-TCTTGCCCTGAGTATTCTCAAGCAAATGATCAAGAAGTTGGATGCCAGCTGTGCAGCGGT[TTG>T]TTTTTTTTATTGGCTGGATTAGTGTTTTACTGTTATTTAAAAAAACACAAATGTACTTTA-3'

ClinVar aggregate classification (germline): Uncertain significance. Review status: criteria provided, multiple submitters, no conflicts (2 of 4 stars). 3 submissions from 3 submitters: Uncertain significance (2). 1 of the submissions does not count toward it. Last evaluated 2025-04-10.

Conditions:
Ataxia-telangiectasia syndrome (AT). Also called: LOUIS-BAR SYNDROME; Cerebello-oculocutaneous telangiectasia; Immunodeficiency with ataxia telangiectasia; Ataxia-telangiectasia, complementation group D; AT, COMPLEMENTATION GROUP C; Ataxia-telangiectasia, complementation group E. Identifiers: Orphanet 100, MedGen C0004135, MONDO:0008840, OMIM 208900.

Submissions (3):

Labcorp Genetics (formerly Invitae), Labcorp
Classification: Uncertain significance for Ataxia-telangiectasia syndrome. Last evaluated: 2025-04-10. Review status: criteria provided, single submitter. Criteria: Invitae Variant Classification Sherloc (09022015). Collection method: clinical testing. Allele origin: germline.
Comment: This sequence change falls in intron 47 of the ATM gene. It does not directly change the encoded amino acid sequence of the ATM protein. It affects a nucleotide within the consensus splice site. This variant is not present in population databases (gnomAD no frequency). This variant has not been reported in the literature in individuals affected with ATM-related conditions. ClinVar contains an entry for this variant (Variation ID: 419766). Variants that disrupt the consensus splice site are a relatively common cause of aberrant splicing (PMID: 17576681, 9536098). Studies have shown that this variant is associated with inconclusive levels of altered splicing (internal data). In summary, the available evidence is currently insufficient to determine the role of this variant in disease. Therefore, it has been classified as a Variant of Uncertain Significance.

GeneDx
Classification: Uncertain significance. Last evaluated: 2015-09-02. Review status: criteria provided, single submitter. Criteria: GeneDx Variant Classification (06012015). Collection method: clinical testing. Allele origin: germline. Affected: yes.
Comment: This variant is denoted ATM c.6975+5_6975+6delGT or IVS47+5_IVS47+6delGT and consists of a deletion of two nucleotides at the +5 to +6 position of intron 47 of the ATM gene. The normal sequence with the bases that are deleted in braces is gttt[gt]ttttttta. No splicing models predict the natural splice donor site for intron 47 and therefore we cannot rule out a splicing effect by this variant. In the absence of RNA or functional studies, the actual effect of this variant is unknown. This variant has not, to our knowledge, been published in the literature as pathogenic or benign. ATM c.6975+5_6975+6delGT was not observed in approximately 6,500 individuals of European and African American ancestry in the NHLBI Exome Sequencing Project, indicating it is not a common benign variant in these populations. The nucleotides that are deleted are not conserved across species. Based on currently available information, we consider ATM c.6975+5_6975+6delGT to be a variant of uncertain significance.

Natera, Inc.
Classification: Uncertain significance for Ataxia-telangiectasia. Last evaluated: 2020-04-18. Review status: no assertion criteria provided. Collection method: clinical testing. Allele origin: germline. Not counted in ClinVar's aggregate classification.

Literature cited by the submitters: PubMed 17576681 (cited by Labcorp Genetics (formerly Invitae), Labcorp); PubMed 9536098 (cited by Labcorp Genetics (formerly Invitae), Labcorp).